The following is an entry in ClinVar:

NM_006767.4(LZTR1):c.1360G>T (p.Glu454Ter)

Gene: LZTR1 (leucine zipper like post translational regulator 1; plus strand). Cytogenetic location: 22q11.21.
Variant type: single nucleotide variant.
Coding change: c.1360G>T on transcript NM_006767.4 (MANE Select); coding-DNA position 1360, G replaced by T.
Protein change: p.Glu454Ter; replaces glutamic acid 454 with a stop codon.
Molecular consequence: nonsense.
Genome position (GRCh38, 1-based): chr22:20,993,930, G>T. VCF-style: chr22-20993930-G-T. GRCh37 (hg19) VCF-style: chr22-21348219-G-T.
Other names: short protein forms E454*.
Identifiers: ClinVar variation 1770833 (VCV001770833.5), dbSNP rs771525633, ClinGen allele CA410774994.
Genomic context (GRCh38, chr22:20,993,930, plus strand): 5'-GTTCTCTGGGGCGAGGGTCCTGTGCCCTCTGCCAGTGCATCATTCTTTGTGCAGAAGGAG[G>T]AGTGCGTGCAGGGCCACGTAGCCATTGTCACAGCGCGGAGCCGCTGGCTTCGCAGGAAGA-3'

ClinVar aggregate classification (germline): Pathogenic/Likely pathogenic. Review status: criteria provided, multiple submitters, no conflicts (2 of 4 stars). 2 submissions from 2 submitters: Pathogenic (1); Likely pathogenic (1). Last evaluated 2024-12-06.

Conditions:
Cardiovascular phenotype. Identifiers: MedGen CN230736.
Hereditary cancer-predisposing syndrome. Also called: Hereditary Cancer Syndrome; Hereditary neoplastic syndrome; Neoplastic Syndromes, Hereditary; Tumor predisposition. Identifiers: Orphanet 140162, MedGen C0027672, MeSH D009386, MONDO:0015356.
LZTR1-related schwannomatosis. Also called: Schwannomatosis 2; Schwannomatosis-2, susceptibility to. Identifiers: Orphanet 93921, MedGen C3810283, MONDO:0014299, OMIM 615670.

Submissions (2):

Ambry Genetics
Classification: Pathogenic for Cardiovascular phenotype; Hereditary cancer-predisposing syndrome. Last evaluated: 2024-12-06. Review status: criteria provided, single submitter. Criteria: Ambry Variant Classification Scheme 2023. Collection method: clinical testing. Allele origin: germline.
Comment: The p.E454* variant (also known as c.1360G>T), located in coding exon 13 of the LZTR1 gene, results from a G to T substitution at nucleotide position 1360. This changes the amino acid from a glutamic acid to a stop codon within coding exon 13. This alteration is expected to result in loss of function by premature protein truncation or nonsense-mediated mRNA decay. Loss-of-function variants in LZTR1 are related to an increased risk for schwannomas and autosomal recessive Noonan syndrome; however, such associations with autosomal dominant Noonan syndrome have not been observed (Piotrowski A et al. Nat Genet. 2014 Feb;46:182-7; Yamamoto GL et al. J Med Genet. 2015 Jun;52:413-21; Johnston JJ et al. Genet Med. 2018 10;20:1175-1185). Based on the supporting evidence, this variant is pathogenic for an increased risk of LZTR1-related schwannomatosis (SWN) and would be expected to cause autosomal recessive Noonan syndrome when present along with a second pathogenic or likely pathogenic variant on the other allele; however, the association of this alteration with autosomal dominant Noonan syndrome is unlikely.

Baylor Genetics
Classification: Likely pathogenic for LZTR1-related schwannomatosis. Last evaluated: 2023-11-22. Review status: criteria provided, single submitter. Criteria: ACMG Guidelines, 2015. Collection method: clinical testing. Allele origin: unknown.